The following is an entry in ClinVar:

ClinVar aggregate classification (germline): Uncertain significance (1 of 4 stars; one submission).

Submission:

GeneDx
Classification: Uncertain significance. Last evaluated: 2024-09-17. Review status: criteria provided, single submitter. Criteria: GeneDx Variant Classification Process June 2021. Collection method: clinical testing. Allele origin: germline. Affected: yes.
Comment: Not observed at significant frequency in large population cohorts (gnomAD); In silico analysis supports that this missense variant has a deleterious effect on protein structure/function; Has not been previously published as pathogenic or benign to our knowledge

NM_001393504.1(MAST3):c.2842C>G (p.Pro948Ala)

Gene: MAST3 (microtubule associated serine/threonine kinase 3; plus strand). Cytogenetic location: 19p13.11.
Variant type: single nucleotide variant.
Coding change: c.2842C>G on transcript NM_001393504.1 (MANE Select); coding-DNA position 2842, C replaced by G.
Protein change: p.Pro948Ala; replaces proline 948 with alanine.
Molecular consequence: missense variant.
Genome position (GRCh38, 1-based): chr19:18,145,032, C>G. VCF-style: chr19-18145032-C-G. GRCh37 (hg19) VCF-style: chr19-18255842-C-G.
Other names: c.2866C>G, p.Pro956Ala (NM_001393501.1); c.2845C>G, p.Pro949Ala (NM_001393502.1); c.2842C>G, p.Pro948Ala (NM_001393503.1); c.2839C>G, p.Pro947Ala (NM_001393505.1); c.2794C>G, p.Pro932Ala (NM_001393506.1, NM_001393513.1); c.2821C>G, p.Pro941Ala (NM_001393507.1); c.2776C>G, p.Pro926Ala (NM_001393508.1, NM_001393516.1); c.2773C>G, p.Pro925Ala (NM_001393509.1, NM_001393510.1, NM_001393512.1 and 2 more transcripts); and 4 more; short protein forms P910A, P918A, P919A, P924A, P925A, P926A, P932A, P941A.
Identifiers: ClinVar variation 3769700 (VCV003769700.1).
Genomic context (GRCh38, chr19:18,145,032, plus strand): 5'-AGTGAGTGACCCCCTCCCTAACCCCCTGCAGATGATGGCAGCGGCGGCCCCCTCATGAGC[C>G]CCCTTTCCCCGCGCTCTCTGTCCTCGAACCCGTCGTCCCGTGACTCTTCGCCGAGCCGAG-3'
Protein context (NP_001380433.1, residues 938-958): DDGSGGPLMS[Pro948Ala]LSPRSLSSNP